The following is an entry in ClinVar:

NM_000520.6(HEXA):c.587A>G (p.Asn196Ser)

Gene: HEXA (hexosaminidase subunit alpha; minus strand). Cytogenetic location: 15q23.
Variant type: single nucleotide variant.
Coding change: c.587A>G on transcript NM_000520.6 (MANE Select); coding-DNA position 587, A replaced by G.
Protein change: p.Asn196Ser; replaces asparagine 196 with serine.
Molecular consequence: missense variant. On other transcripts: non-coding transcript variant (1).
Genome position (GRCh38, 1-based): chr15:72,351,218, T>C on the plus strand (A>G on the coding strand, the complement: HEXA is on the minus strand). VCF-style: chr15-72351218-T-C. GRCh37 (hg19) VCF-style: chr15-72643559-T-C.
Other names: c.620A>G, p.Asn207Ser (NM_001318825.2); short protein forms N207S, N196S.
Identifiers: ClinVar variation 662159 (VCV000662159.8), dbSNP rs753862880, ClinGen allele CA7644949.
Genomic context (GRCh38, chr15:72,351,218, plus strand): 5'-AAGCTCTCATATGGGAAGGAAGGATCATCTACCAGATGCCAGTGGAACACGTTCAATTTA[T>C]TGTACGCCATGACATCCTGTAGGTTAAAGTGCACACTGTGAACCCATCACAGTCTCTCCG-3'
Protein context (NP_000511.2, residues 186-206): ILDTLDVMAY[Asn196Ser]KLNVFHWHLV

ClinVar aggregate classification (germline): Uncertain significance. Review status: criteria provided, single submitter (1 of 4 stars). 2 submissions from 2 submitters: Uncertain significance (1). 1 of the submissions does not count toward it. Last evaluated 2022-08-09.

Conditions:
Tay-Sachs disease (TSD). Also called: HEXA DEFICIENCY; Hexosaminidase A Deficiency; HEXA Disorders; GM2 gangliosidosis, type 1; Hexosaminidase alpha-subunit deficiency (variant B); Sphingolipidosis, Tay-Sachs. Identifiers: Orphanet 845, MedGen C0039373, MONDO:0010100, OMIM 272800.

Allele frequency attached by ClinVar (database versions not stated): ExAC 0.00001; gnomAD 0.00001; gnomAD exomes 0.00003; TOPMed 0.00003.
gnomAD v4.1: 53 of 1,609,708 alleles (0.0033%); highest among the groups gnomAD compares: Non-Finnish European, 0.0043%; no homozygotes.

Submissions (2):

Labcorp Genetics (formerly Invitae), Labcorp
Classification: Uncertain significance for Tay-Sachs disease. Last evaluated: 2022-08-09. Review status: criteria provided, single submitter. Criteria: Invitae Variant Classification Sherloc (09022015). Collection method: clinical testing. Allele origin: germline.
Comment: This sequence change replaces asparagine, which is neutral and polar, with serine, which is neutral and polar, at codon 196 of the HEXA protein (p.Asn196Ser). This variant is present in population databases (rs753862880, gnomAD 0.004%). This missense change has been observed in individual(s) with clinical features of HEXA-related conditions (PMID: 7717398). ClinVar contains an entry for this variant (Variation ID: 662159). Algorithms developed to predict the effect of missense changes on protein structure and function output the following: SIFT: "Tolerated"; PolyPhen-2: "Benign"; Align-GVGD: "Class C0". The serine amino acid residue is found in multiple mammalian species, which suggests that this missense change does not adversely affect protein function. Algorithms developed to predict the effect of sequence changes on RNA splicing suggest that this variant may create or strengthen a splice site. In summary, the available evidence is currently insufficient to determine the role of this variant in disease. Therefore, it has been classified as a Variant of Uncertain Significance.

Natera, Inc.
Classification: Uncertain significance for Tay-Sachs disease. Last evaluated: 2017-11-16. Review status: no assertion criteria provided. Collection method: clinical testing. Allele origin: germline. Not counted in ClinVar's aggregate classification.

Literature cited by the submitters: PubMed 7717398 (cited by Labcorp Genetics (formerly Invitae), Labcorp).